The following is an entry in ClinVar:

NM_018026.4(PACS1):c.2493C>T (p.Pro831=)

Gene: PACS1 (phosphofurin acidic cluster sorting protein 1; plus strand). Cytogenetic location: 11q13.2.
Variant type: single nucleotide variant.
Coding change: c.2493C>T on transcript NM_018026.4 (MANE Select); coding-DNA position 2493, C replaced by T.
Protein change: p.Pro831=; no amino-acid change (proline 831 retained).
Molecular consequence: synonymous variant.
Genome position (GRCh38, 1-based): chr11:66,241,490, C>T. VCF-style: chr11-66241490-C-T. GRCh37 (hg19) VCF-style: chr11-66008961-C-T.
Identifiers: ClinVar variation 2776701 (VCV002776701.23), dbSNP rs756717910, ClinGen allele CA6116893.

ClinVar aggregate classification (germline): Likely benign. Review status: criteria provided, multiple submitters, no conflicts (2 of 4 stars). 2 submissions from 2 submitters: Likely benign (2). Last evaluated 2025-06-04.

Conditions:
Schuurs-Hoeijmakers syndrome. Also called: PACS1-Related Neurodevelopmental Disorder. Identifiers: Orphanet 329224, MedGen C3554343, MONDO:0014006, OMIM 615009.

Allele frequency attached by ClinVar (database versions not stated): gnomAD 0.00001; gnomAD exomes 0.00001; ExAC 0.00003.
gnomAD v4.1: 13 of 1,612,968 alleles (0.00081%); highest among the groups gnomAD compares: South Asian, 0.0055%; no homozygotes.

Submissions (2):

Labcorp Genetics (formerly Invitae), Labcorp
Classification: Likely benign for Schuurs-Hoeijmakers syndrome. Last evaluated: 2025-06-04. Review status: criteria provided, single submitter. Criteria: Invitae Variant Classification Sherloc (09022015). Collection method: clinical testing. Allele origin: germline.

CeGaT Center for Human Genetics Tuebingen
Classification: Likely benign. Last evaluated: 2024-04-01. Review status: criteria provided, single submitter. Criteria: CeGaT Center For Human Genetics Tuebingen Variant Classification Criteria Version 2. Collection method: clinical testing. Allele origin: germline. Affected: yes. Observed: 1 variant allele.
Comment: PACS1: BP4, BP7